The following is an entry in ClinVar:

ClinVar aggregate classification (germline): Uncertain significance (0 of 4 stars; one submission).

Conditions:
KIF1A-related disorder. Also called: KIF1A-related disorders; KIF1A-related condition.

Submission:

PreventionGenetics, part of Exact Sciences
Classification: Uncertain significance for KIF1A-related condition. Last evaluated: 2024-05-02. Review status: no assertion criteria provided. Collection method: clinical testing. Allele origin: germline.
Comment: The KIF1A c.2780A>T variant is predicted to result in the amino acid substitution p.Asp927Val. To our knowledge, this variant has not been reported in the literature or in gnomAD, indicating this variant is rare. At this time, the clinical significance of this variant is uncertain due to the absence of conclusive functional and genetic evidence.

NM_001244008.2(KIF1A):c.2780A>T (p.Asp927Val)

Gene: KIF1A (kinesin family member 1A; minus strand). Cytogenetic location: 2q37.3.
Variant type: single nucleotide variant.
Coding change: c.2780A>T on transcript NM_001244008.2 (MANE Select); coding-DNA position 2780, A replaced by T.
Protein change: p.Asp927Val; replaces aspartic acid 927 with valine.
Molecular consequence: missense variant. On other transcripts: intron variant (18).
Genome position (GRCh38, 1-based): chr2:240,757,397, T>A on the plus strand (A>T on the coding strand, the complement: KIF1A is on the minus strand). VCF-style: chr2-240757397-T-A. GRCh37 (hg19) VCF-style: chr2-241696814-T-A.
Other names: c.2855A>T, p.Asp952Val (NM_001379631.1); c.2729A>T, p.Asp910Val (NM_001379632.1); c.2753A>T, p.Asp918Val (NM_001379633.1, NM_001379642.1, NM_001379645.1); c.2555+963A>T (NM_001379653.1, NM_001379650.1, NM_001379640.1 and 6 more transcripts); c.2657+963A>T (NM_001379635.1, NM_001330290.2, NM_001379646.1 and 1 more transcripts); c.2630+963A>T (NM_001379637.1, NM_001379648.1); c.2582+963A>T (NM_001320705.2, NM_001379638.1, NM_001330289.2); short protein forms D910V, D918V, D927V, D952V.
Identifiers: ClinVar variation 3358826 (VCV003358826.1).